The following is an entry in ClinVar:

NM_004958.4(MTOR):c.1029G>A (p.Met343Ile)

Gene: MTOR (mechanistic target of rapamycin kinase; minus strand). Cytogenetic location: 1p36.22.
Variant type: single nucleotide variant.
Coding change: c.1029G>A on transcript NM_004958.4 (MANE Select); coding-DNA position 1029, G replaced by A.
Protein change: p.Met343Ile; replaces methionine 343 with isoleucine.
Molecular consequence: missense variant.
Genome position (GRCh38, 1-based): chr1:11,247,906, C>T on the plus strand (G>A on the coding strand, the complement: MTOR is on the minus strand). VCF-style: chr1-11247906-C-T. GRCh37 (hg19) VCF-style: chr1-11307963-C-T.
Other names: short protein forms M343I.
Identifiers: ClinVar variation 1009246 (VCV001009246.8), dbSNP rs1474925980, ClinGen allele CA338399766.
Genomic context (GRCh38, chr1:11,247,906, plus strand): 5'-TCTGCAACACCGGCTCTCCACCAGGGTGGACTTAGCTGGACTGGGGGAGGTCCCAAATCC[C>T]ATGAGGCCTTGGTGAGAGCTGTACCCCAGCAGCCCCACCAAGGCATTTGACTGCTGGGGC-3'
Protein context (NP_004949.1, residues 333-353): LLGYSSHQGL[Met343Ile]GFGTSPSPAK

ClinVar aggregate classification (germline): Uncertain significance (1 of 4 stars; one submission).

Allele frequency attached by ClinVar (database versions not stated): gnomAD exomes below 0.00001; gnomAD 0.00001; TOPMed 0.00001.
gnomAD v4.1: 2 of 1,614,068 alleles (0.00012%); highest among the groups gnomAD compares: Admixed American, 0.0017%; no homozygotes.

Submission:

Labcorp Genetics (formerly Invitae), Labcorp
Classification: Uncertain significance. Last evaluated: 2025-02-24. Review status: criteria provided, single submitter. Criteria: Invitae Variant Classification Sherloc (09022015). Collection method: clinical testing. Allele origin: germline.
Comment: This sequence change replaces methionine, which is neutral and non-polar, with isoleucine, which is neutral and non-polar, at codon 343 of the MTOR protein (p.Met343Ile). This variant is present in population databases (no rsID available, gnomAD 0.003%). This variant has not been reported in the literature in individuals affected with MTOR-related conditions. ClinVar contains an entry for this variant (Variation ID: 1009246). Invitae Evidence Modeling of protein sequence and biophysical properties (such as structural, functional, and spatial information, amino acid conservation, physicochemical variation, residue mobility, and thermodynamic stability) indicates that this missense variant is not expected to disrupt MTOR protein function with a negative predictive value of 95%. In summary, the available evidence is currently insufficient to determine the role of this variant in disease. Therefore, it has been classified as a Variant of Uncertain Significance.